The following is an entry in ClinVar:

ClinVar aggregate classification (germline): Benign/Likely benign. Review status: criteria provided, multiple submitters, no conflicts (2 of 4 stars). 8 submissions from 8 submitters: Benign (2); Likely benign (5). 1 of the submissions does not count toward it. Last evaluated 2026-01-14.

Conditions:
Catecholaminergic polymorphic ventricular tachycardia 1. Also called: VENTRICULAR TACHYCARDIA, CATECHOLAMINERGIC POLYMORPHIC, 1, WITH OR WITHOUT ATRIAL DYSFUNCTION AND/OR DILATED CARDIOMYOPATHY; RYR2-Related Catecholaminergic Polymorphic Ventricular Tachycardia; VENTRICULAR TACHYCARDIA, STRESS-INDUCED POLYMORPHIC 1. Identifiers: Orphanet 3286, MedGen C1631597, MONDO:0011484, OMIM 604772.
Cardiovascular phenotype. Identifiers: MedGen CN230736.
RYR2-related disorder. Also called: RYR2-related condition.
Catecholaminergic polymorphic ventricular tachycardia (CVPT). Also called: Catecholamine-induced polymorphic ventricular tachycardia. Identifiers: Orphanet 3286, MedGen C5574922, MONDO:0017990.
Cardiomyopathy (CMYO). Also called: Cardiomyopathies. Identifiers: Orphanet 167848, MedGen C0878544, MONDO:0004994, HP:0001638. Inheritance: Various modes of inheritance.

Allele frequency attached by ClinVar (database versions not stated): gnomAD exomes 0.00005; TOPMed 0.00009; gnomAD 0.00013.
gnomAD v4.1: 110 of 1,613,880 alleles (0.0068%); highest among the groups gnomAD compares: Non-Finnish European, 0.0085%; no homozygotes.

Submissions (8):

Labcorp Genetics (formerly Invitae), Labcorp
Classification: Likely benign for Catecholaminergic polymorphic ventricular tachycardia 1. Last evaluated: 2026-01-14. Review status: criteria provided, single submitter. Criteria: Invitae Variant Classification Sherloc (09022015). Collection method: clinical testing. Allele origin: germline.

Women's Health and Genetics/Laboratory Corporation of America, LabCorp
Classification: Benign. Last evaluated: 2024-10-06. Review status: criteria provided, single submitter. Criteria: LabCorp Variant Classification Summary - May 2015. Collection method: clinical testing. Allele origin: germline.

Blueprint Genetics
Classification: Likely benign. Last evaluated: 2024-04-08. Review status: criteria provided, single submitter. Criteria: ACMG Guidelines, 2015. Collection method: clinical testing. Allele origin: germline.

All of Us Research Program, National Institutes of Health
Classification: Likely benign for Catecholaminergic polymorphic ventricular tachycardia. Last evaluated: 2024-02-05. Review status: criteria provided, single submitter. Criteria: ACMG Guidelines, 2015. Collection method: clinical testing. Allele origin: germline. Inheritance: Autosomal dominant inheritance. Observed: 14 variant alleles, 14 heterozygotes.
Comment: This study involves interpretation of variants in research participants for the purpose of population health screening. Participant phenotype was not available at the time of variant classification. Additional details can be found in publication PMID: 35346344, PMCID: PMC8962531

Ambry Genetics
Classification: Likely benign for Cardiovascular phenotype. Last evaluated: 2019-05-22. Review status: criteria provided, single submitter. Criteria: Ambry Variant Classification Scheme 2023. Collection method: clinical testing. Allele origin: germline.

Color Diagnostics, LLC DBA Color Health
Classification: Likely benign for Cardiomyopathy. Last evaluated: 2018-10-21. Review status: criteria provided, single submitter. Criteria: ACMG Guidelines, 2015. Collection method: clinical testing. Allele origin: germline.

GeneDx
Classification: Benign. Last evaluated: 2015-03-03. Review status: criteria provided, single submitter. Criteria: GeneDx Variant Classification Process June 2021. Collection method: clinical testing. Allele origin: germline. Affected: yes.

PreventionGenetics, part of Exact Sciences
Classification: Likely benign for RYR2-related condition. Last evaluated: 2019-11-19. Review status: no assertion criteria provided. Collection method: clinical testing. Allele origin: germline. Not counted in ClinVar's aggregate classification.
Comment: This variant is classified as likely benign based on ACMG/AMP sequence variant interpretation guidelines (Richards et al. 2015 PMID: 25741868, with internal and published modifications).

NM_001035.3(RYR2):c.3951G>A (p.Thr1317=)

Genes: RYR2 (ryanodine receptor 2; plus strand), LOC126806067 (BRD4-independent group 4 enhancer GRCh37_chr1:237753258-237754457; plus strand). Cytogenetic location: 1q43.
Variant type: single nucleotide variant.
Coding change: c.3951G>A on transcript NM_001035.3 (MANE Select); coding-DNA position 3951, G replaced by A.
Protein change: p.Thr1317=; no amino-acid change (threonine 1317 retained).
Molecular consequence: synonymous variant.
Genome position (GRCh38, 1-based): chr1:237,590,783, G>A. VCF-style: chr1-237590783-G-A. GRCh37 (hg19) VCF-style: chr1-237754083-G-A.
Identifiers: ClinVar variation 700611 (VCV000700611.35), dbSNP rs372097270, ClinGen allele CA086506.
Genomic context (GRCh38, chr1:237,590,783, plus strand): 5'-TGATATCATGTTTTATCGCCTGAGCATGCCGATCGAGTGCGCGGAGGTCTTCTCCAAGAC[G>A]GTGGCTGGAGGGCTCCCTGGGGCTGGCCTTTTTGGGCCCAAGAATGACTTGGAAGATTAT-3'
Protein context (NP_001026.2, residues 1307-1327): PIECAEVFSK[Thr1317=]VAGGLPGAGL